The following is an entry in ClinVar:

ClinVar aggregate classification (germline): Uncertain significance. Review status: criteria provided, single submitter (1 of 4 stars). 2 submissions from 2 submitters: Uncertain significance (1). 1 of the submissions does not count toward it. Last evaluated 2025-01-06.

Conditions:
ALG6-congenital disorder of glycosylation 1C (CDG1C). Also called: Congenital disorder of glycosylation, type Ic; CDG Ic; CARBOHYDRATE-DEFICIENT GLYCOPROTEIN SYNDROME, TYPE I, WITH DEFICIENT GLYCOSYLATION OF DOLICHOL-LINKED OLIGOSACCHARIDE; CARBOHYDRATE-DEFICIENT GLYCOPROTEIN SYNDROME, TYPE V; Congenital disorder of glycosylation type 1C. Identifiers: Orphanet 79320, MedGen C2930997, MONDO:0011291, OMIM 603147.

Allele frequency attached by ClinVar (database versions not stated): gnomAD exomes below 0.00001; ExAC 0.00001; gnomAD 0.00001; 1000 Genomes Project 30x 0.00016; 1000 Genomes Project 0.00020.
gnomAD v4.1: 2 of 1,613,762 alleles (0.00012%); highest among the groups gnomAD compares: South Asian, 0.0022%; no homozygotes.

Submissions (2):

Labcorp Genetics (formerly Invitae), Labcorp
Classification: Uncertain significance for ALG6-congenital disorder of glycosylation 1C. Last evaluated: 2025-01-06. Review status: criteria provided, single submitter. Criteria: Invitae Variant Classification Sherloc (09022015). Collection method: clinical testing. Allele origin: germline.
Comment: This sequence change replaces threonine, which is neutral and polar, with serine, which is neutral and polar, at codon 449 of the ALG6 protein (p.Thr449Ser). This variant is present in population databases (rs552078516, gnomAD 0.003%). This variant has not been reported in the literature in individuals affected with ALG6-related conditions. ClinVar contains an entry for this variant (Variation ID: 1059767). Invitae Evidence Modeling of protein sequence and biophysical properties (such as structural, functional, and spatial information, amino acid conservation, physicochemical variation, residue mobility, and thermodynamic stability) indicates that this missense variant is not expected to disrupt ALG6 protein function with a negative predictive value of 95%. In summary, the available evidence is currently insufficient to determine the role of this variant in disease. Therefore, it has been classified as a Variant of Uncertain Significance.

Natera, Inc.
Classification: Uncertain significance for Congenital disorder of glycosylation type 1c. Last evaluated: 2020-09-11. Review status: no assertion criteria provided. Collection method: clinical testing. Allele origin: germline. Not counted in ClinVar's aggregate classification.

NM_013339.4(ALG6):c.1346C>G (p.Thr449Ser)

Gene: ALG6 (ALG6 alpha-1,3-glucosyltransferase; plus strand). Cytogenetic location: 1p31.3.
Variant type: single nucleotide variant.
Coding change: c.1346C>G on transcript NM_013339.4 (MANE Select); coding-DNA position 1346, C replaced by G.
Protein change: p.Thr449Ser; replaces threonine 449 with serine.
Molecular consequence: missense variant.
Genome position (GRCh38, 1-based): chr1:63,436,842, C>G. VCF-style: chr1-63436842-C-G. GRCh37 (hg19) VCF-style: chr1-63902513-C-G.
Other names: short protein forms T449S.
Identifiers: ClinVar variation 1059767 (VCV001059767.10), dbSNP rs552078516, ClinGen allele CA888434.